The following is an entry in ClinVar:

NM_001385012.1(NBEA):c.2631T>A (p.Ser877Arg)

Gene: NBEA (neurobeachin; plus strand). Cytogenetic location: 13q13.3.
Variant type: single nucleotide variant.
Coding change: c.2631T>A on transcript NM_001385012.1 (MANE Select); coding-DNA position 2631, T replaced by A.
Protein change: p.Ser877Arg; replaces serine 877 with arginine.
Molecular consequence: missense variant.
Genome position (GRCh38, 1-based): chr13:35,156,186, T>A. VCF-style: chr13-35156186-T-A. GRCh37 (hg19) VCF-style: chr13-35730323-T-A.
Other names: c.2631T>A, p.Ser877Arg (NM_001379245.1, NM_015678.5); short protein forms S877R.
Identifiers: ClinVar variation 4538650 (VCV004538650.1).

ClinVar aggregate classification (germline): Uncertain significance (1 of 4 stars; one submission).

Submission:

GeneDx
Classification: Uncertain significance. Last evaluated: 2025-06-17. Review status: criteria provided, single submitter. Criteria: GeneDx Variant Classification Process June 2021. Collection method: clinical testing. Allele origin: germline. Affected: yes.
Comment: Not observed at significant frequency in large population cohorts (gnomAD); In silico analysis suggests that this missense variant does not alter protein structure/function; Has not been previously published as pathogenic or benign to our knowledge